The following is an entry in ClinVar:

NM_000038.6(APC):c.4522G>T (p.Ala1508Ser)

Gene: APC (APC regulator of Wnt signaling pathway; plus strand). Cytogenetic location: 5q22.2.
Variant type: single nucleotide variant.
Coding change: c.4522G>T on transcript NM_000038.6 (MANE Select); coding-DNA position 4522, G replaced by T.
Protein change: p.Ala1508Ser; replaces alanine 1508 with serine.
Molecular consequence: missense variant.
Genome position (GRCh38, 1-based): chr5:112,840,116, G>T. VCF-style: chr5-112840116-G-T. GRCh37 (hg19) VCF-style: chr5-112175813-G-T.
Other names: c.4522G>T, p.Ala1508Ser (NM_001127510.3, NM_001354895.2); c.4468G>T, p.Ala1490Ser (NM_001127511.3); c.4576G>T, p.Ala1526Ser (NM_001354896.2); c.4552G>T, p.Ala1518Ser (NM_001354897.2); c.4447G>T, p.Ala1483Ser (NM_001354898.2); c.4438G>T, p.Ala1480Ser (NM_001354899.2); c.4399G>T, p.Ala1467Ser (NM_001354900.2); c.4345G>T, p.Ala1449Ser (NM_001354901.2); and 5 more; short protein forms A1348S, A1417S, A1490S, A1382S, A1480S, A1483S, A1518S, A1526S.
Identifiers: ClinVar variation 653064 (VCV000653064.18), dbSNP rs1580649249, ClinGen allele CA16031228.

ClinVar aggregate classification (germline): Uncertain significance. Review status: criteria provided, multiple submitters, no conflicts (2 of 4 stars). 4 submissions from 4 submitters: Uncertain significance (4). Last evaluated 2026-09-10.

Conditions:
Classic or attenuated familial adenomatous polyposis. Identifiers: MedGen CN372698, MONDO:0021057.
Hereditary cancer-predisposing syndrome. Also called: Neoplastic Syndromes, Hereditary; Hereditary Cancer Syndrome; Hereditary neoplastic syndrome; Tumor predisposition. Identifiers: Orphanet 140162, MedGen C0027672, MeSH D009386, MONDO:0015356.
Familial adenomatous polyposis 1 (FAP1). Also called: POLYPOSIS, ADENOMATOUS INTESTINAL; FAMILIAL ADENOMATOUS POLYPOSIS 1, ATTENUATED. Identifiers: MedGen C2713442, MONDO:0021056, OMIM 175100. Disease mechanism: loss of function.

Allele frequency attached by ClinVar (database versions not stated): gnomAD exomes below 0.00001.
gnomAD v4.1: 1 of 1,614,110 alleles (0.000062%); highest among the groups gnomAD compares: Non-Finnish European, 0.000085%; no homozygotes.

Submissions (4):

Ambry Genetics
Classification: Uncertain significance for Hereditary cancer-predisposing syndrome. Last evaluated: 2026-09-10. Review status: criteria provided, single submitter. Criteria: Ambry Variant Classification Scheme 2023. Collection method: clinical testing. Allele origin: germline.

Labcorp Genetics (formerly Invitae), Labcorp
Classification: Uncertain significance for Familial adenomatous polyposis 1. Last evaluated: 2025-05-05. Review status: criteria provided, single submitter. Criteria: Invitae Variant Classification Sherloc (09022015). Collection method: clinical testing. Allele origin: germline.
Comment: This sequence change replaces alanine, which is neutral and non-polar, with serine, which is neutral and polar, at codon 1508 of the APC protein (p.Ala1508Ser). This variant is not present in population databases (gnomAD no frequency). This variant has not been reported in the literature in individuals affected with APC-related conditions. ClinVar contains an entry for this variant (Variation ID: 653064). Invitae Evidence Modeling of protein sequence and biophysical properties (such as structural, functional, and spatial information, amino acid conservation, physicochemical variation, residue mobility, and thermodynamic stability) indicates that this missense variant is not expected to disrupt APC protein function with a negative predictive value of 95%. In summary, the available evidence is currently insufficient to determine the role of this variant in disease. Therefore, it has been classified as a Variant of Uncertain Significance.

All of Us Research Program, National Institutes of Health
Classification: Uncertain significance for Classic or attenuated familial adenomatous polyposis. Last evaluated: 2023-03-04. Review status: criteria provided, single submitter. Criteria: ACMG Guidelines, 2015. Collection method: clinical testing. Allele origin: germline. Inheritance: Autosomal dominant inheritance. Observed: 1 variant allele, 1 heterozygote.
Comment: This study involves interpretation of variants in research participants for the purpose of population health screening. Participant phenotype was not available at the time of variant classification. Additional details can be found in publication PMID: 35346344, PMCID: PMC8962531

GeneDx
Classification: Uncertain significance. Last evaluated: 2021-02-19. Review status: criteria provided, single submitter. Criteria: GeneDx Variant Classification Process June 2021. Collection method: clinical testing. Allele origin: germline. Affected: yes.
Comment: Not observed in large population cohorts (Lek 2016); In silico analysis, which includes protein predictors and evolutionary conservation, supports that this variant does not alter protein structure/function; Has not been previously published as pathogenic or benign to our knowledge